The following is an entry in ClinVar:

ClinVar aggregate classification (germline): Likely benign (1 of 4 stars; one submission).

Conditions:
CLPTM1L-related disorder. Also called: CLPTM1L-related condition.

gnomAD v4.1: 87 of 1,612,982 alleles (0.0054%); highest among the groups gnomAD compares: East Asian, 0.12%; no homozygotes.

Submission:

PreventionGenetics, part of Exact Sciences
Classification: Likely benign for CLPTM1L-related condition. Last evaluated: 2025-04-24. Review status: criteria provided, single submitter. Criteria: ACMG Guidelines, 2015. Collection method: clinical testing. Allele origin: germline.
Comment: This variant is classified as likely benign based on ACMG/AMP sequence variant interpretation guidelines (Richards et al. 2015 PMID: 25741868, with internal and published modifications).

NM_030782.5(CLPTM1L):c.1081-8C>T

Gene: CLPTM1L (CLPTM1 like). Cytogenetic location: 5p15.33.
Variant type: single nucleotide variant.
Coding change: c.1081-8C>T on transcript NM_030782.5 (MANE Select); 8 bases into the intron before coding-DNA position 1081, C replaced by T.
Molecular consequence: intron variant.
Genome position (GRCh38, 1-based): chr5:1,325,824, G>A on the plus strand (C>T on the coding strand, the complement: CLPTM1L is on the minus strand). VCF-style: chr5-1325824-G-A. GRCh37 (hg19) VCF-style: chr5-1325939-G-A.
Identifiers: ClinVar variation 4979642 (VCV004979642.1).